The following is an entry in ClinVar:

ClinVar aggregate classification (germline): Uncertain significance (1 of 4 stars; one submission).

Conditions:
Hypokalemic periodic paralysis, type 1. Also called: HypoPP; Hypokalemic Periodic Paralysis Type 1 (AD). Identifiers: Orphanet 681, MedGen C3714580, MONDO:0042979, OMIM 170400.
Malignant hyperthermia, susceptibility to, 5 (MHS5). Also called: CACNA1S-Related Malignant Hyperthermia Susceptibility. Identifiers: Orphanet 423, MedGen C1866077, MONDO:0011163, OMIM 601887.

Submission:

Labcorp Genetics (formerly Invitae), Labcorp
Classification: Uncertain significance for Hypokalemic periodic paralysis, type 1; Malignant hyperthermia, susceptibility to, 5. Last evaluated: 2026-01-22. Review status: criteria provided, single submitter. Criteria: Invitae Variant Classification Sherloc (09022015). Collection method: clinical testing. Allele origin: germline.
Comment: This sequence change falls in intron 32 of the CACNA1S gene. It does not directly change the encoded amino acid sequence of the CACNA1S protein. It affects a nucleotide within the consensus splice site. This variant is not present in population databases (gnomAD no frequency). This variant has not been reported in the literature in individuals affected with CACNA1S-related conditions. Variants that disrupt the consensus splice site are a relatively common cause of aberrant splicing (PMID: 17576681, 9536098). Algorithms developed to predict the effect of sequence changes on RNA splicing suggest that this variant may disrupt the consensus splice site. In summary, the available evidence is currently insufficient to determine the role of this variant in disease. Therefore, it has been classified as a Variant of Uncertain Significance.

Literature cited by the submitters: PubMed 17576681; PubMed 9536098.

NM_000069.3(CACNA1S):c.3953+3A>G

Gene: CACNA1S (calcium voltage-gated channel subunit alpha1 S; minus strand). Cytogenetic location: 1q32.1.
Variant type: single nucleotide variant.
Coding change: c.3953+3A>G on transcript NM_000069.3 (MANE Select); 3 bases into the intron after coding-DNA position 3953, A replaced by G.
Molecular consequence: intron variant.
Genome position (GRCh38, 1-based): chr1:201,052,554, T>C on the plus strand (A>G on the coding strand, the complement: CACNA1S is on the minus strand). VCF-style: chr1-201052554-T-C. GRCh37 (hg19) VCF-style: chr1-201021682-T-C.
Identifiers: ClinVar variation 4794382 (VCV004794382.1).
Genomic context (GRCh38, chr1:201,052,554, plus strand): 5'-TAGAACAGAGCAAAGGCTGGACTGGTCAGCGGGGTAGGGGTGGGGGTGGCGGGAGACGCG[T>C]GCCTGAAGAGCAGTAGCACAGCTTGTGGGAAGGTCTGGAAGTTGTTGTTCCGGTTTATTT-3'